The following is an entry in ClinVar:

NM_001378120.1(MBD5):c.4769G>A (p.Ser1590Asn)

Gene: MBD5 (methyl-CpG binding domain protein 5; plus strand). Cytogenetic location: 2q23.1.
Variant type: single nucleotide variant.
Coding change: c.4769G>A on transcript NM_001378120.1 (MANE Select); coding-DNA position 4769, G replaced by A.
Protein change: p.Ser1590Asn; replaces serine 1590 with asparagine.
Molecular consequence: missense variant.
Genome position (GRCh38, 1-based): chr2:148,490,401, G>A. VCF-style: chr2-148490401-G-A. GRCh37 (hg19) VCF-style: chr2-149247970-G-A.
Other names: c.4070G>A, p.Ser1357Asn (NM_018328.5); short protein forms S1590N, S1357N.
Identifiers: ClinVar variation 1501920 (VCV001501920.6), dbSNP rs2105131988, ClinGen allele CA348731305.

ClinVar aggregate classification (germline): Uncertain significance (1 of 4 stars; one submission).

Conditions:
Intellectual developmental disorder, autosomal dominant 1. Also called: Intellectual disability, autosomal dominant 1; MBD5 Haploinsufficiency. Identifiers: Orphanet 228402, MedGen C1969562, MONDO:0007974, OMIM 156200.

Allele frequency attached by ClinVar (database versions not stated): gnomAD exomes below 0.00001.
gnomAD v4.1: 3 of 1,614,138 alleles (0.00019%); highest among the groups gnomAD compares: East Asian, 0.0022%; no homozygotes.

Submission:

Labcorp Genetics (formerly Invitae), Labcorp
Classification: Uncertain significance for Intellectual developmental disorder, autosomal dominant 1. Last evaluated: 2022-08-16. Review status: criteria provided, single submitter. Criteria: Invitae Variant Classification Sherloc (09022015). Collection method: clinical testing. Allele origin: germline.
Comment: In summary, the available evidence is currently insufficient to determine the role of this variant in disease. Therefore, it has been classified as a Variant of Uncertain Significance. Algorithms developed to predict the effect of missense changes on protein structure and function are either unavailable or do not agree on the potential impact of this missense change (SIFT: "Deleterious"; PolyPhen-2: "Not Available"; Align-GVGD: "Class C45"). ClinVar contains an entry for this variant (Variation ID: 1501920). This variant has not been reported in the literature in individuals affected with MBD5-related conditions. This variant is not present in population databases (gnomAD no frequency). This sequence change replaces serine, which is neutral and polar, with asparagine, which is neutral and polar, at codon 1357 of the MBD5 protein (p.Ser1357Asn).